The following is an entry in ClinVar:

ClinVar aggregate classification (germline): Benign (1 of 4 stars; one submission).

gnomAD v4.1: 185,535 of 209,088 alleles (89%); highest among the groups gnomAD compares: East Asian, 100%; 82,711 homozygotes.

Submission:

Unidad de Genómica Garrahan, Hospital de Pediatría Garrahan
Classification: Benign. Last evaluated: 2024-07-31. Review status: criteria provided, single submitter. Criteria: ACMG Guidelines, 2015. Collection method: clinical testing. Allele origin: germline. Affected: no. Observed: 92 variant alleles.
Comment: This variant is classified as Benign based on local population frequency. This variant was detected in 99% of patients studied in a panel designed for Epileptic and Developmental Encephalopathy, Progressive Myoclonus Epilepsy and Abnormal Movements and Neurodegeneration with brain iron accumulation. Number of patients: 92. Only high quality variants are reported.

NM_033453.4(ITPA):c.411+425G>A

Gene: ITPA (inosine triphosphatase; plus strand). Cytogenetic location: 20p13.
Variant type: single nucleotide variant.
Coding change: c.411+425G>A on transcript NM_033453.4 (MANE Select); 425 bases into the intron after coding-DNA position 411, G replaced by A.
Molecular consequence: intron variant.
Genome position (GRCh38, 1-based): chr20:3,219,057, G>A. VCF-style: chr20-3219057-G-A. GRCh37 (hg19) VCF-style: chr20-3199703-G-A.
Other names: c.537+425G>A (NM_001424409.1); c.74+425G>A (NM_001324237.2, NM_001324238.2, NM_001324236.2 and 1 more transcripts); c.411+425G>A (NM_001324240.2, NM_001424408.1); c.288+425G>A (NM_001267623.2); c.360+425G>A (NM_181493.4).
Identifiers: ClinVar variation 3256808 (VCV003256808.2).
Genomic context (GRCh38, chr20:3,219,057, plus strand): 5'-GACAATTCCCAAAGCTATTTTTTTCTGTTTATTTTATTTATTTATTTATTTTTTGTTAGT[G>A]AGAAACCACACTTGGATCAAAGCTACATCTATAGCCCAGACTTCTCTAACCTCAGATTTC-3'